The following is an entry in ClinVar:

ClinVar aggregate classification (germline): Uncertain significance. Review status: criteria provided, multiple submitters, no conflicts (2 of 4 stars). 3 submissions from 3 submitters: Uncertain significance (3). Last evaluated 2025-04-24.

Conditions:
Cardiovascular phenotype. Identifiers: MedGen CN230736.
Cardiomyopathy (CMYO). Also called: Cardiomyopathies. Identifiers: Orphanet 167848, MedGen C0878544, MONDO:0004994, HP:0001638. Inheritance: Various modes of inheritance.
Hypertrophic cardiomyopathy. Also called: HYPERTROPHIC MYOCARDIOPATHY. Identifiers: Orphanet 217569, MedGen C0007194, MeSH D002312, MONDO:0005045, HP:0001639.

gnomAD v4.1: 1 of 1,614,256 alleles (0.000062%); highest among the groups gnomAD compares: African/African-American, 0.0013%; no homozygotes.

Submissions (3):

Labcorp Genetics (formerly Invitae), Labcorp
Classification: Uncertain significance for Hypertrophic cardiomyopathy. Last evaluated: 2025-04-24. Review status: criteria provided, single submitter. Criteria: Invitae Variant Classification Sherloc (09022015). Collection method: clinical testing. Allele origin: germline.
Comment: This sequence change replaces glutamic acid, which is acidic and polar, with aspartic acid, which is acidic and polar, at codon 45 of the MYH7 protein (p.Glu45Asp). This variant is not present in population databases (gnomAD no frequency). This missense change has been observed in individual(s) with hypertrophic cariomyopathy (PMID: 27532257, 37652022). ClinVar contains an entry for this variant (Variation ID: 520375). Invitae Evidence Modeling of protein sequence and biophysical properties (such as structural, functional, and spatial information, amino acid conservation, physicochemical variation, residue mobility, and thermodynamic stability) has been performed for this missense variant. However, the output from this modeling did not meet the statistical confidence thresholds required to predict the impact of this variant on MYH7 protein function. In summary, the available evidence is currently insufficient to determine the role of this variant in disease. Therefore, it has been classified as a Variant of Uncertain Significance.

All of Us Research Program, National Institutes of Health
Classification: Uncertain significance for Cardiomyopathy. Last evaluated: 2024-08-06. Review status: criteria provided, single submitter. Criteria: ACMG Guidelines, 2015. Collection method: clinical testing. Allele origin: germline. Inheritance: Autosomal dominant inheritance. Observed: 1 variant allele, 1 heterozygote.
Comment: This study involves interpretation of variants in research participants for the purpose of population health screening. Participant phenotype was not available at the time of variant classification. Additional details can be found in publication PMID: 35346344, PMCID: PMC8962531

Ambry Genetics
Classification: Uncertain significance for Cardiovascular phenotype. Last evaluated: 2017-09-18. Review status: criteria provided, single submitter. Criteria: Ambry Variant Classification Scheme 2023. Collection method: clinical testing. Allele origin: germline.
Comment: The p.E45D variant (also known as c.135G>C), located in coding exon 1 of the MYH7 gene, results from a G to C substitution at nucleotide position 135. The glutamic acid at codon 45 is replaced by aspartic acid, an amino acid with highly similar properties. This alteration has been reported in a hypertrophic cardiomyopathy cohort; however, clinical details were limited (Walsh R et al. Genet. Med. 2017;19:192-203). This amino acid position is well conserved in available vertebrate species. In addition, this alteration is predicted to be tolerated by in silico analysis. Since supporting evidence is limited at this time, the clinical significance of this alteration remains unclear.

Literature cited by the submitters: PubMed 27532257 (cited by Labcorp Genetics (formerly Invitae), Labcorp and Ambry Genetics); PubMed 37652022 (cited by Labcorp Genetics (formerly Invitae), Labcorp).

NM_000257.4(MYH7):c.135G>C (p.Glu45Asp)

Gene: MYH7 (myosin heavy chain 7; minus strand). Cytogenetic location: 14q11.2.
Variant type: single nucleotide variant.
Coding change: c.135G>C on transcript NM_000257.4 (MANE Select); coding-DNA position 135, G replaced by C.
Protein change: p.Glu45Asp; replaces glutamic acid 45 with aspartic acid.
Molecular consequence: missense variant.
Genome position (GRCh38, 1-based): chr14:23,433,598, C>G on the plus strand (G>C on the coding strand, the complement: MYH7 is on the minus strand). VCF-style: chr14-23433598-C-G. GRCh37 (hg19) VCF-style: chr14-23902807-C-G.
Other names: c.135G>C (LRG_384t1); short protein forms E45D.
Identifiers: ClinVar variation 520375 (VCV000520375.10), dbSNP rs397516102, ClinGen allele CA389053787.
Genomic context (GRCh38, chr14:23,433,598, plus strand): 5'-ATACTCGGTCTCGGCAGTGACTTTGCCACCCTCTCGAGACACGATCTTGGCCTTGACAAA[C>G]TCCTGTTTGTCATCAGGCACGAAGACATCCTTCTTGAGGTCAAAAGGCCTGGTCTGCGCT-3'
Protein context (NP_000248.2, residues 35-55): KDVFVPDDKQ[Glu45Asp]FVKAKIVSRE